The following is an entry in ClinVar:

ClinVar aggregate classification (germline): Conflicting classifications of pathogenicity. Review status: criteria provided, conflicting classifications (1 of 4 stars). 6 submissions from 6 submitters: Likely risk allele (1); Uncertain significance (1); Benign (1); Likely benign (3). Last evaluated 2025-12-01.

Conditions:
Type 2 diabetes mellitus. Also called: Type II diabetes mellitus. Identifiers: MedGen C0011860, MeSH D003924, MONDO:0005148, OMIM 125853, HP:0005978.
Deficiency of butyryl-CoA dehydrogenase (ACADSD). Also called: SCAD DEFICIENCY, MILD; ACYL-CoA DEHYDROGENASE, SHORT-CHAIN, DEFICIENCY OF; SCAD Deficiency; ACADS DEFICIENCY; Short-Chain Acyl-CoA Dehydrogenase Deficiency; SCADH DEFICIENCY. Identifiers: Orphanet 26792, MedGen C0342783, MONDO:0008722, OMIM 201470. Disease mechanism: May be benign.

Allele frequency attached by ClinVar (database versions not stated): gnomAD 0.00009 and 0.00055; TOPMed 0.00020; gnomAD exomes 0.00095 and 0.00184; ExAC 0.00222; 1000 Genomes Project 30x 0.00297; 1000 Genomes Project 0.00319.
gnomAD v4.1: 1,462 of 1,613,020 alleles (0.091%); highest among the groups gnomAD compares: South Asian, 1.3%; 19 homozygotes.

Submissions (6):

Labcorp Genetics (formerly Invitae), Labcorp
Classification: Benign for Deficiency of butyryl-CoA dehydrogenase. Last evaluated: 2025-12-01. Review status: criteria provided, single submitter. Criteria: Invitae Variant Classification Sherloc (09022015). Collection method: clinical testing. Allele origin: germline.

Genetics and Molecular Pathology, SA Pathology
Classification: Uncertain significance for Deficiency of butyryl-CoA dehydrogenase. Last evaluated: 2022-04-19. Review status: criteria provided, single submitter. Criteria: ACMG Guidelines, 2015. Collection method: clinical testing. Allele origin: germline. Inheritance: Autosomal recessive inheritance. Affected: yes.

Genome-Nilou Lab
Classification: Likely benign for Deficiency of butyryl-CoA dehydrogenase. Last evaluated: 2021-11-07. Review status: criteria provided, single submitter. Criteria: ACMG Guidelines, 2015. Collection method: clinical testing. Allele origin: germline. Affected: no.

GeneDx
Classification: Likely benign. Last evaluated: 2021-06-15. Review status: criteria provided, single submitter. Criteria: GeneDx Variant Classification Process June 2021. Collection method: clinical testing. Allele origin: germline. Affected: yes.
Comment: This variant is associated with the following publications: (PMID: 27535533, 18523805)

Broad Center for Mendelian Genomics, Broad Institute of MIT and Harvard
Classification: Likely benign for Type 2 diabetes mellitus. Review status: criteria provided, single submitter. Criteria: ACMG Guidelines, 2015. Collection method: research. Allele origin: germline. Inheritance: Autosomal recessive inheritance. Affected: yes.
Comment: The heterozygous p.Met370Val variant in ACADS has been identified in 3 individuals with Acyl-CoA-dehydrogenase deficiency (PMID: 18523805), but has also been identified in >1% of South Asian chromosomes and 6 homozygotes by ExAC. In vitro functional studies provide some evidence that the p.Met370Val variant may slightly impact protein function (PMID: 18523805). However, these types of assays may not accurately represent biological function. In summary, although additional studies are required to fully establish its clinical significance, this variant meets criteria to be classified as likely benign for Acyl-CoA-dehydrogenase deficiency.

Clinical Genomics, Uppaluri K&H Personalized Medicine Clinic
Classification: Likely risk allele for Deficiency of butyryl-CoA dehydrogenase. Review status: criteria provided, single submitter. Criteria: K And H Uppaluri Personalized Medicine Clinic Variant Classification And Assertion Criteria Updated V 2. Collection method: research. Allele origin: unknown. Inheritance: Autosomal recessive inheritance.
Comment: Potent mutations in ACADS gene can lead to short chain acyl coA dehydrogenase deficiency, which is presents in pediatric age group as one of the fatty acid oxidation disorder. Usually asymptomatic in adults or can present with musculoskeletal symptoms. Carnitine and Riboflavin supplementation have been recommended in some stuides. However, more evidence required to ascertain the role of this variant rs566325901 in short chain acyl coA dehydrogenase deficiency.

Literature cited by the submitters: PubMed 18523805 (cited by Broad Center for Mendelian Genomics, Broad Institute of MIT and Harvard and Clinical Genomics, Uppaluri K&H Personalized Medicine Clinic).

NM_000017.4(ACADS):c.1108A>G (p.Met370Val)

Gene: ACADS (acyl-CoA dehydrogenase short chain; plus strand). Cytogenetic location: 12q24.31.
Variant type: single nucleotide variant.
Coding change: c.1108A>G on transcript NM_000017.4 (MANE Select); coding-DNA position 1108, A replaced by G.
Protein change: p.Met370Val; replaces methionine 370 with valine.
Molecular consequence: missense variant.
Genome position (GRCh38, 1-based): chr12:120,739,317, A>G. VCF-style: chr12-120739317-A-G. GRCh37 (hg19) VCF-style: chr12-121177120-A-G.
Other names: p.M370V:ATG>GTG; c.1096A>G, p.Met366Val (NM_001302554.2); short protein forms M370V, M366V.
Identifiers: ClinVar variation 203562 (VCV000203562.22), dbSNP rs566325901, ClinGen allele CA312232.